The following is an entry in ClinVar:

NM_001048174.2(MUTYH):c.1429T>C (p.Cys477Arg)

Gene: MUTYH (mutY DNA glycosylase; minus strand). Cytogenetic location: 1p34.1.
Variant type: single nucleotide variant.
Coding change: c.1429T>C on transcript NM_001048174.2 (MANE Select); coding-DNA position 1429, T replaced by C.
Protein change: p.Cys477Arg; replaces cysteine 477 with arginine.
Molecular consequence: missense variant. On other transcripts: non-coding transcript variant (2).
Genome position (GRCh38, 1-based): chr1:45,330,521, A>G on the plus strand (T>C on the coding strand, the complement: MUTYH is on the minus strand). VCF-style: chr1-45330521-A-G. GRCh37 (hg19) VCF-style: chr1-45796193-A-G.
Other names: c.1429T>C, p.Cys477Arg (NM_001048171.2, NM_001048173.2, NM_001293195.2); c.1432T>C, p.Cys478Arg (NM_001048172.2); c.1513T>C, p.Cys505Arg (NM_001128425.2); c.1474T>C, p.Cys492Arg (NM_001293190.2); c.1462T>C, p.Cys488Arg (NM_001293191.2); c.1153T>C, p.Cys385Arg (NM_001293192.2, NM_001293196.2); c.1084T>C, p.Cys362Arg (NM_001350650.2, NM_001350651.2); c.1504T>C, p.Cys502Arg (NM_012222.3); short protein forms C505R, C502R, C478R, C488R, C492R, C362R, C385R, C477R.
Identifiers: ClinVar variation 232004 (VCV000232004.14), dbSNP rs876659488, ClinGen allele CA10577698.

ClinVar aggregate classification (germline): Conflicting classifications of pathogenicity. Review status: criteria provided, conflicting classifications (1 of 4 stars). 2 submissions from 2 submitters: Uncertain significance (1); Benign (1). Last evaluated 2025-09-09.

Conditions:
Hereditary cancer-predisposing syndrome. Also called: Tumor predisposition; Hereditary Cancer Syndrome; Neoplastic Syndromes, Hereditary; Hereditary neoplastic syndrome. Identifiers: Orphanet 140162, MedGen C0027672, MeSH D009386, MONDO:0015356.
Familial adenomatous polyposis 2. Also called: MYH-associated polyposis; FAP type 2; ADENOMAS, MULTIPLE COLORECTAL, AUTOSOMAL RECESSIVE; MUTYH Polyposis; MUTYH-associated polyposis; MUTYH-related attenuated familial adenomatous polyposis. Identifiers: Orphanet 220460, Orphanet 247798, MedGen C3272841, MONDO:0012041, OMIM 608456.

Submissions (2):

Ambry Genetics
Classification: Benign for Hereditary cancer-predisposing syndrome. Last evaluated: 2025-09-09. Review status: criteria provided, single submitter. Criteria: Ambry Variant Classification Scheme 2023. Collection method: clinical testing. Allele origin: germline.

Labcorp Genetics (formerly Invitae), Labcorp
Classification: Uncertain significance for Familial adenomatous polyposis 2. Last evaluated: 2024-04-22. Review status: criteria provided, single submitter. Criteria: Invitae Variant Classification Sherloc (09022015). Collection method: clinical testing. Allele origin: germline.
Comment: This sequence change replaces cysteine, which is neutral and slightly polar, with arginine, which is basic and polar, at codon 505 of the MUTYH protein (p.Cys505Arg). This variant is not present in population databases (gnomAD no frequency). This variant has not been reported in the literature in individuals affected with MUTYH-related conditions. ClinVar contains an entry for this variant (Variation ID: 232004). Algorithms developed to predict the effect of missense changes on protein structure and function output the following: SIFT: "Not Available"; PolyPhen-2: "Benign"; Align-GVGD: "Not Available". The arginine amino acid residue is found in multiple mammalian species, which suggests that this missense change does not adversely affect protein function. In summary, the available evidence is currently insufficient to determine the role of this variant in disease. Therefore, it has been classified as a Variant of Uncertain Significance.